The following is an entry in ClinVar:

ClinVar aggregate classification (germline): Pathogenic (1 of 4 stars; one submission).

Conditions:
Pheochromocytoma/paraganglioma syndrome 4. Also called: CAROTID BODY TUMORS AND MULTIPLE EXTRAADRENAL PHEOCHROMOCYTOMAS; SDHB-Related Hereditary Paraganglioma-Pheochromocytoma Syndrome (Paragangliomas 4); SDHB-Related Hereditary Paraganglioma-Pheochromocytoma Syndrome; PARAGANGLIOMA, FAMILIAL MALIGNANT; PARAGANGLIOMAS, HEREDITARY EXTRAADRENAL; PHEOCHROMOCYTOMA, FAMILIAL EXTRAADRENAL. Identifiers: Orphanet 29072, MedGen C1861848, MONDO:0007273, OMIM 115310.
Gastrointestinal stromal tumor. Also called: Gastrointestinal stromal tumor, somatic; Gastrointestinal stroma tumor. Identifiers: Orphanet 44890, MedGen C0238198, MeSH D046152, MONDO:0011719, OMIM 606764, HP:0100723.
Pheochromocytoma. Also called: MAX-Related Hereditary Paraganglioma-Pheochromocytoma Syndrome. Identifiers: Orphanet 29072, MedGen C0031511, MONDO:0008233, OMIM 171300, HP:0002666.

Submission:

Labcorp Genetics (formerly Invitae), Labcorp
Classification: Pathogenic for Gastrointestinal stroma tumor; Paragangliomas 4; Pheochromocytoma. Last evaluated: 2019-06-29. Review status: criteria provided, single submitter. Criteria: Invitae Variant Classification Sherloc (09022015). Collection method: clinical testing. Allele origin: germline.
Comment: This variant is a gross deletion of the genomic region encompassing exons 3-8 of the SDHB gene. The 5' boundary is likely confined to intron 2. The 3' end of this event is unknown as it extends through the termination codon beyond the assayed region for this gene and may encompass additional genes. While this deletion is not anticipated to result in nonsense mediated decay, it is expected to create a truncated protein product or disrupt mRNA translation. This variant has not been reported in the literature in individuals with an SDHB-related disease. Smaller exonic deletions within exons 3-8 have been reported in individuals affected with paraganglioma and/or pheochromocytoma (PMID: 19029228, 22517554, 24977658). Furthermore, several missense substitutions between exons 3-8 have been determined to be pathogenic, including p.Trp200Cys (PMID: 20119652, 22835832), p.Cys196Tyr (PMID: 21172883, 19064958), and p.Val140Phe (PMID: 20583550, 20503330). This suggests that this region is critical for SDHB protein function. For these reasons, this variant has been classified as Pathogenic.

Literature cited by the submitters: PubMed 21172883; PubMed 24977658; PubMed 22835832; PubMed 22517554; PubMed 19064958; PubMed 19029228; PubMed 20583550; PubMed 20119652; PubMed 20503330.

NC_000001.11:g.(?_17018871)_(17033155_?)del

Gene: SDHB (succinate dehydrogenase complex iron sulfur subunit B; minus strand). Cytogenetic location: 1p36.13.
Variant type: Deletion.
Identifiers: ClinVar variation 830735 (VCV000830735.1).